The following is an entry in ClinVar:

ClinVar aggregate classification (germline): Uncertain significance. Review status: criteria provided, multiple submitters, no conflicts (2 of 4 stars). 2 submissions from 2 submitters: Uncertain significance (2). Last evaluated 2021-09-01.

Conditions:
Autosomal recessive ataxia, Beauce type. Also called: Spinocerebellar ataxia, autosomal recessive 8; ATAXIA, RECESSIVE, OF BEAUCE; SYNE1 Deficiency; SYNE1-Related Autosomal Recessive Cerebellar Ataxia. Identifiers: Orphanet 88644, MedGen C1853116, MONDO:0012549, OMIM 610743.
Emery-Dreifuss muscular dystrophy 4, autosomal dominant (EDMD4). Also called: EMERY-DREIFUSS MUSCULAR DYSTROPHY 4 WITH VARIABLE FEATURES. Identifiers: Orphanet 261, MedGen C2751807, MONDO:0013071, OMIM 612998.

Allele frequency attached by ClinVar (database versions not stated): gnomAD exomes 0.00001 and 0.00002; TOPMed 0.00001; gnomAD 0.00002; ExAC 0.00003.
gnomAD v4.1: 16 of 1,614,036 alleles (0.00099%); highest among the groups gnomAD compares: Non-Finnish European, 0.0014%; no homozygotes.

Submissions (2):

Labcorp Genetics (formerly Invitae), Labcorp
Classification: Uncertain significance for Emery-Dreifuss muscular dystrophy 4, autosomal dominant; Autosomal recessive ataxia, Beauce type. Last evaluated: 2021-09-01. Review status: criteria provided, single submitter. Criteria: Invitae Variant Classification Sherloc (09022015). Collection method: clinical testing. Allele origin: germline.
Comment: This sequence change replaces leucine with valine at codon 8283 of the SYNE1 protein (p.Leu8283Val). The leucine residue is highly conserved and there is a small physicochemical difference between leucine and valine. This variant is present in population databases (rs776807564, ExAC 0.006%). This variant has not been reported in the literature in individuals affected with SYNE1-related conditions. ClinVar contains an entry for this variant (Variation ID: 290328). Algorithms developed to predict the effect of missense changes on protein structure and function are either unavailable or do not agree on the potential impact of this missense change (SIFT: "Deleterious"; PolyPhen-2: "Benign"; Align-GVGD: "Class C0"). In summary, the available evidence is currently insufficient to determine the role of this variant in disease. Therefore, it has been classified as a Variant of Uncertain Significance.

Eurofins Ntd Llc (ga)
Classification: Uncertain significance. Last evaluated: 2016-09-06. Review status: criteria provided, single submitter. Criteria: EGL Classification Definitions 2015. Collection method: clinical testing. Allele origin: germline. Observed: 1 variant allele, 1 heterozygote.

NM_182961.4(SYNE1):c.24991C>G (p.Leu8331Val)

Gene: SYNE1 (spectrin repeat containing nuclear envelope protein 1; minus strand). Cytogenetic location: 6q25.2.
Variant type: single nucleotide variant.
Coding change: c.24991C>G on transcript NM_182961.4 (MANE Select); coding-DNA position 24991, C replaced by G.
Protein change: p.Leu8331Val; replaces leucine 8331 with valine.
Molecular consequence: missense variant.
Genome position (GRCh38, 1-based): chr6:152,143,751, G>C on the plus strand (C>G on the coding strand, the complement: SYNE1 is on the minus strand). VCF-style: chr6-152143751-G-C. GRCh37 (hg19) VCF-style: chr6-152464886-G-C.
Other names: c.1597C>G, p.Leu533Val (NM_001347701.2); c.1525C>G, p.Leu509Val (NM_001347702.2); c.24847C>G, p.Leu8283Val (NM_033071.5); short protein forms L8331V, L8283V, L509V, L533V.
Identifiers: ClinVar variation 290328 (VCV000290328.10), dbSNP rs776807564, ClinGen allele CA4052979.
Genomic context (GRCh38, chr6:152,143,751, plus strand): 5'-GCTGTATCTGAAAACGGCTATCATCCAGGGCTTTGCCCAGTTGTCGGATCTGTGACTCTA[G>C]GGCACTGTGGTCCCCTGCGGTGGCAACCATAAGAATCTTTACTGGACAAACTATTTGACT-3'
Protein context (NP_892006.3, residues 8321-8341): AVGLSGDHSA[Leu8331Val]ESQIRQLGKA